The following is an entry in ClinVar:

ClinVar aggregate classification (germline): Uncertain significance (1 of 4 stars; one submission).

Conditions:
Neurodegeneration with brain iron accumulation 6 (NBIA6). Also called: COASY protein-associated neurodegeneration. Identifiers: Orphanet 397725, MedGen C4517377, MONDO:0014290, OMIM 615643.

gnomAD v4.1: 1 of 1,608,700 alleles (0.000062%); highest among the groups gnomAD compares: Non-Finnish European, 0.000085%; no homozygotes.

Submission:

Labcorp Genetics (formerly Invitae), Labcorp
Classification: Uncertain significance for Neurodegeneration with brain iron accumulation 6. Last evaluated: 2025-09-20. Review status: criteria provided, single submitter. Criteria: Invitae Variant Classification Sherloc (09022015). Collection method: clinical testing. Allele origin: germline.
Comment: This sequence change falls in intron 3 of the COASY gene. It does not directly change the encoded amino acid sequence of the COASY protein. It affects a nucleotide within the consensus splice site. This variant is not present in population databases (gnomAD no frequency). This variant has not been reported in the literature in individuals affected with COASY-related conditions. Variants that disrupt the consensus splice site are a relatively common cause of aberrant splicing (PMID: 17576681, 9536098). Algorithms developed to predict the effect of sequence changes on RNA splicing suggest that this variant may disrupt the consensus splice site. In summary, the available evidence is currently insufficient to determine the role of this variant in disease. Therefore, it has been classified as a Variant of Uncertain Significance.

Literature cited by the submitters: PubMed 17576681; PubMed 9536098.

NM_025233.7(COASY):c.1047+5G>C

Gene: COASY (Coenzyme A synthase; plus strand). Cytogenetic location: 17q21.2.
Variant type: single nucleotide variant.
Coding change: c.1047+5G>C on transcript NM_025233.7 (MANE Select); 5 bases into the intron after coding-DNA position 1047, G replaced by C.
Molecular consequence: intron variant.
Genome position (GRCh38, 1-based): chr17:42,564,582, G>C. VCF-style: chr17-42564582-G-C. GRCh37 (hg19) VCF-style: chr17-40716600-G-C.
Other names: c.1134+5G>C (NM_001042532.4); c.1047+5G>C (NM_001042529.3).
Identifiers: ClinVar variation 4737500 (VCV004737500.1).